The following is an entry in ClinVar:

NM_001194998.2(CEP152):c.5079G>A (p.Pro1693=)

Gene: CEP152 (centrosomal protein 152; minus strand). Cytogenetic location: 15q21.1.
Variant type: single nucleotide variant.
Coding change: c.5079G>A on transcript NM_001194998.2 (MANE Select); coding-DNA position 5079, G replaced by A.
Protein change: p.Pro1693=; no amino-acid change (proline 1693 retained).
Molecular consequence: synonymous variant.
Genome position (GRCh38, 1-based): chr15:48,738,303, C>T on the plus strand (G>A on the coding strand, the complement: CEP152 is on the minus strand). VCF-style: chr15-48738303-C-T. GRCh37 (hg19) VCF-style: chr15-49030500-C-T.
Other names: c.4911G>A, p.Pro1637= (NM_014985.4).
Identifiers: ClinVar variation 744283 (VCV000744283.36), dbSNP rs577873248, ClinGen allele CA7547984.

ClinVar aggregate classification (germline): Benign/Likely benign. Review status: criteria provided, multiple submitters, no conflicts (2 of 4 stars). 3 submissions from 3 submitters: Benign (1); Likely benign (2). Last evaluated 2026-04-01.

Allele frequency attached by ClinVar (database versions not stated): TOPMed 0.00005; 1000 Genomes Project 30x 0.00172; 1000 Genomes Project 0.00200.
gnomAD v4.1: 554 of 1,613,868 alleles (0.034%); highest among the groups gnomAD compares: South Asian, 0.53%; 7 homozygotes.

Submissions (3):

CeGaT Center for Human Genetics Tuebingen
Classification: Likely benign. Last evaluated: 2026-04-01. Review status: criteria provided, single submitter. Criteria: CeGaT Center For Human Genetics Tuebingen Variant Classification Criteria Version 2. Collection method: clinical testing. Allele origin: germline. Affected: yes. Observed: 4 variant alleles.
Comment: CEP152: BP4, BP7

Labcorp Genetics (formerly Invitae), Labcorp
Classification: Benign. Last evaluated: 2026-01-21. Review status: criteria provided, single submitter. Criteria: Invitae Variant Classification Sherloc (09022015). Collection method: clinical testing. Allele origin: germline.

Genetic Services Laboratory, University of Chicago
Classification: Likely benign. Last evaluated: 2021-11-16. Review status: criteria provided, single submitter. Criteria: ACMG Guidelines, 2015. Collection method: clinical testing. Allele origin: germline. Affected: no.